The following is an entry in ClinVar:

ClinVar aggregate classification (germline): Uncertain significance (1 of 4 stars; one submission).

Conditions:
Cryopyrin associated periodic syndrome (CAPS). Identifiers: Orphanet 208650, MedGen C2316212, MONDO:0016168.

Submission:

Labcorp Genetics (formerly Invitae), Labcorp
Classification: Uncertain significance for Cryopyrin associated periodic syndrome. Last evaluated: 2025-02-20. Review status: criteria provided, single submitter. Criteria: Invitae Variant Classification Sherloc (09022015). Collection method: clinical testing. Allele origin: germline.
Comment: This sequence change replaces alanine, which is neutral and non-polar, with valine, which is neutral and non-polar, at codon 55 of the NLRP3 protein (p.Ala55Val). This variant is not present in population databases (gnomAD no frequency). This variant has not been reported in the literature in individuals affected with NLRP3-related conditions. Invitae Evidence Modeling of protein sequence and biophysical properties (such as structural, functional, and spatial information, amino acid conservation, physicochemical variation, residue mobility, and thermodynamic stability) indicates that this missense variant is not expected to disrupt NLRP3 protein function with a negative predictive value of 95%. In summary, the available evidence is currently insufficient to determine the role of this variant in disease. Therefore, it has been classified as a Variant of Uncertain Significance.

NM_001243133.2(NLRP3):c.158C>T (p.Ala53Val)

Gene: NLRP3 (NLR family pyrin domain containing 3; plus strand). Cytogenetic location: 1q44.
Variant type: single nucleotide variant.
Coding change: c.158C>T on transcript NM_001243133.2 (MANE Select); coding-DNA position 158, C replaced by T.
Protein change: p.Ala53Val; replaces alanine 53 with valine.
Molecular consequence: missense variant.
Genome position (GRCh38, 1-based): chr1:247,418,958, C>T. VCF-style: chr1-247418958-C-T. GRCh37 (hg19) VCF-style: chr1-247582260-C-T.
Other names: c.158C>T, p.Ala53Val (NM_001079821.3, NM_001127461.3, NM_001127462.3 and 1 more transcripts); c.164C>T, p.Ala55Val (NM_004895.5); short protein forms A53V, A55V.
Identifiers: ClinVar variation 3633864 (VCV003633864.2).